The following is an entry in ClinVar:

ClinVar aggregate classification (germline): Likely benign (0 of 4 stars; one submission).

Conditions:
LIPG-related disorder. Also called: LIPG-related condition.

Allele frequency attached by ClinVar (database versions not stated): TOPMed 0.00026; gnomAD 0.00027; ExAC 0.00043; 1000 Genomes Project 30x 0.00078; 1000 Genomes Project 0.00080.
gnomAD v4.1: 207 of 1,612,344 alleles (0.013%); highest among the groups gnomAD compares: East Asian, 0.36%; 1 homozygote.

Submission:

PreventionGenetics, part of Exact Sciences
Classification: Likely benign for LIPG-related condition. Last evaluated: 2019-08-29. Review status: no assertion criteria provided. Collection method: clinical testing. Allele origin: germline.
Comment: This variant is classified as likely benign based on ACMG/AMP sequence variant interpretation guidelines (Richards et al. 2015 PMID: 25741868, with internal and published modifications).

NM_006033.4(LIPG):c.-1G>T

Gene: LIPG (lipase G, endothelial type; plus strand). Cytogenetic location: 18q21.1.
Variant type: single nucleotide variant.
Coding change: c.-1G>T on transcript NM_006033.4 (MANE Select); 1 bases upstream of the start codon, G replaced by T.
Molecular consequence: 5 prime UTR variant.
Genome position (GRCh38, 1-based): chr18:49,562,308, G>T. VCF-style: chr18-49562308-G-T. GRCh37 (hg19) VCF-style: chr18-47088678-G-T.
Other names: c.-1G>T (NM_001308006.2).
Identifiers: ClinVar variation 3052719 (VCV003052719.2), dbSNP rs199615862, ClinGen allele CA8958953.